The following is an entry in ClinVar:

ClinVar aggregate classification (germline): Benign (1 of 4 stars; one submission).

Conditions:
Multiple synostoses syndrome 3 (SYNS3). Identifiers: Orphanet 3237, MedGen C2751826, MONDO:0013064, OMIM 612961.

Allele frequency attached by ClinVar (database versions not stated): gnomAD 0.00816 and 0.00874; 1000 Genomes Project 30x 0.00828; TOPMed 0.00973; 1000 Genomes Project 0.00799.

Submission:

Illumina Laboratory Services, Illumina
Classification: Benign for Multiple synostoses syndrome 3. Last evaluated: 2018-01-13. Review status: criteria provided, single submitter. Criteria: ICSL Variant Classification Criteria 13 December 2019. Collection method: clinical testing. Allele origin: germline.
Comment: This variant was observed in the ICSL laboratory as part of a predisposition screen in an ostensibly healthy population. It had not been previously curated by ICSL or reported in the Human Gene Mutation Database (HGMD: prior to June 1st, 2018), and was therefore a candidate for classification through an automated scoring system. Utilizing variant allele frequency, disease prevalence and penetrance estimates, and inheritance mode, an automated score was calculated to assess if this variant is too frequent to cause the disease. Based on the score and internal cut-off values, a variant classified as benign is not then subjected to further curation. The score for this variant resulted in a classification of benign for this disease.

NM_002010.3(FGF9):c.*996A>G

Gene: FGF9 (fibroblast growth factor 9; plus strand). Cytogenetic location: 13q12.11.
Variant type: single nucleotide variant.
Coding change: c.*996A>G on transcript NM_002010.3 (MANE Select); 996 bases downstream of the stop codon, A replaced by G.
Molecular consequence: 3 prime UTR variant.
Genome position (GRCh38, 1-based): chr13:21,702,431, A>G. VCF-style: chr13-21702431-A-G. GRCh37 (hg19) VCF-style: chr13-22276570-A-G.
Identifiers: ClinVar variation 311453 (VCV000311453.5), dbSNP rs17070748, ClinGen allele CA10643060.